The following is an entry in ClinVar:

NM_001244008.2(KIF1A):c.2214C>T (p.Asn738=)

Gene: KIF1A (kinesin family member 1A; minus strand). Cytogenetic location: 2q37.3.
Variant type: single nucleotide variant.
Coding change: c.2214C>T on transcript NM_001244008.2 (MANE Select); coding-DNA position 2214, C replaced by T.
Protein change: p.Asn738=; no amino-acid change (asparagine 738 retained).
Molecular consequence: synonymous variant.
Genome position (GRCh38, 1-based): chr2:240,761,280, G>A on the plus strand (C>T on the coding strand, the complement: KIF1A is on the minus strand). VCF-style: chr2-240761280-G-A. GRCh37 (hg19) VCF-style: chr2-241700697-G-A.
Other names: c.2214C>T, p.Asn738= (NM_001320705.2, NM_001330289.2, NM_001379638.1); c.2289C>T, p.Asn763= (NM_001330290.2, NM_001379631.1, NM_001379634.1 and 2 more transcripts); c.2187C>T, p.Asn729= (NM_001379632.1, NM_001379633.1, NM_001379636.1 and 10 more transcripts); c.2262C>T, p.Asn754= (NM_001379637.1, NM_001379648.1); c.2214C>T (NM_001244008.1).
Identifiers: ClinVar variation 1094406 (VCV001094406.13), dbSNP rs551496176, ClinGen allele CA2208157.

ClinVar aggregate classification (germline): Likely benign. Review status: criteria provided, multiple submitters, no conflicts (2 of 4 stars). 3 submissions from 3 submitters: Likely benign (2). 1 of the submissions does not count toward it. Last evaluated 2024-12-10.

Conditions:
KIF1A-related disorder. Also called: KIF1A-related disorders; KIF1A-related condition.
Inborn genetic diseases. Identifiers: MedGen C0950123, MeSH D030342.
Neuropathy, hereditary sensory, type 2C. Also called: KIF1A-Related HSAN2 (HSAN2C); Hereditary sensory and autonomic neuropathy type IIC. Identifiers: Orphanet 970, MedGen C3280168, MONDO:0013634, OMIM 614213.
Intellectual disability, autosomal dominant 9 (NESCAVS). Also called: NESCAV SYNDROME; KIF1A-Related Neurodevelopmental Disorder. Identifiers: Orphanet 662367, MedGen C5393830, MONDO:0013656, OMIM 614255.
Hereditary spastic paraplegia 30. Identifiers: Orphanet 101010, MedGen C5235139, MONDO:0012476.

Allele frequency attached by ClinVar (database versions not stated): gnomAD 0.00001; gnomAD exomes 0.00001; TOPMed 0.00001; ExAC 0.00002; 1000 Genomes Project 30x 0.00016; 1000 Genomes Project 0.00020.
gnomAD v4.1: 18 of 1,613,896 alleles (0.0011%); highest among the groups gnomAD compares: Middle Eastern, 0.017%; no homozygotes.

Submissions (3):

Labcorp Genetics (formerly Invitae), Labcorp
Classification: Likely benign for Hereditary spastic paraplegia 30; Neuropathy, hereditary sensory, type 2C; Intellectual disability, autosomal dominant 9. Last evaluated: 2024-12-10. Review status: criteria provided, single submitter. Criteria: Invitae Variant Classification Sherloc (09022015). Collection method: clinical testing. Allele origin: germline.

Ambry Genetics
Classification: Likely benign for Inborn genetic diseases. Last evaluated: 2019-12-08. Review status: criteria provided, single submitter. Criteria: Ambry Variant Classification Scheme 2023. Collection method: clinical testing. Allele origin: germline.

PreventionGenetics, part of Exact Sciences
Classification: Likely benign for KIF1A-related condition. Last evaluated: 2022-09-28. Review status: no assertion criteria provided. Collection method: clinical testing. Allele origin: germline. Not counted in ClinVar's aggregate classification.
Comment: This variant is classified as likely benign based on ACMG/AMP sequence variant interpretation guidelines (Richards et al. 2015 PMID: 25741868, with internal and published modifications).